The following is an entry in ClinVar:

NM_000426.4(LAMA2):c.6589A>G (p.Ile2197Val)

Gene: LAMA2 (laminin subunit alpha 2; plus strand). Cytogenetic location: 6q22.33.
Variant type: single nucleotide variant.
Coding change: c.6589A>G on transcript NM_000426.4 (MANE Select); coding-DNA position 6589, A replaced by G.
Protein change: p.Ile2197Val; replaces isoleucine 2197 with valine.
Molecular consequence: missense variant.
Genome position (GRCh38, 1-based): chr6:129,454,170, A>G. VCF-style: chr6-129454170-A-G. GRCh37 (hg19) VCF-style: chr6-129775315-A-G.
Other names: c.6589A>G (NM_000426.3); c.6589A>G, p.Ile2197Val (NM_001079823.2); short protein forms I2197V.
Identifiers: ClinVar variation 1007575 (VCV001007575.7), dbSNP rs1271828767, ClinGen allele CA365616877.

ClinVar aggregate classification (germline): Uncertain significance. Review status: criteria provided, multiple submitters, no conflicts (2 of 4 stars). 2 submissions from 2 submitters: Uncertain significance (2). Last evaluated 2024-03-04.

Conditions:
LAMA2-related muscular dystrophy (LAMA2-RD). Also called: Laminin alpha 2-related dystrophy. Identifiers: MedGen C5679788, MONDO:0100228.

Allele frequency attached by ClinVar (database versions not stated): gnomAD exomes below 0.00001; gnomAD 0.00001; TOPMed 0.00002.
gnomAD v4.1: 6 of 1,612,454 alleles (0.00037%); highest among the groups gnomAD compares: Non-Finnish European, 0.00051%; no homozygotes.

Submissions (2):

Revvity Omics, Revvity
Classification: Uncertain significance. Last evaluated: 2024-03-04. Review status: criteria provided, single submitter. Criteria: ACMG Guidelines, 2015. Collection method: clinical testing. Allele origin: germline.

Labcorp Genetics (formerly Invitae), Labcorp
Classification: Uncertain significance for LAMA2-related muscular dystrophy. Last evaluated: 2021-08-30. Review status: criteria provided, single submitter. Criteria: Invitae Variant Classification Sherloc (09022015). Collection method: clinical testing. Allele origin: germline.
Comment: This sequence change replaces isoleucine with valine at codon 2197 of the LAMA2 protein (p.Ile2197Val). The isoleucine residue is moderately conserved and there is a small physicochemical difference between isoleucine and valine. This variant is not present in population databases (ExAC no frequency). This variant has not been reported in the literature in individuals affected with LAMA2-related conditions. Advanced modeling of protein sequence and biophysical properties (such as structural, functional, and spatial information, amino acid conservation, physicochemical variation, residue mobility, and thermodynamic stability) performed at Invitae indicates that this missense variant is not expected to disrupt LAMA2 protein function. In summary, the available evidence is currently insufficient to determine the role of this variant in disease. Therefore, it has been classified as a Variant of Uncertain Significance.